The following is an entry in ClinVar:

NM_000384.3(APOB):c.5065C>T (p.Arg1689Cys)

Gene: APOB (apolipoprotein B; minus strand). Cytogenetic location: 2p24.1.
Variant type: single nucleotide variant.
Coding change: c.5065C>T on transcript NM_000384.3 (MANE Select); coding-DNA position 5065, C replaced by T.
Protein change: p.Arg1689Cys; replaces arginine 1689 with cysteine.
Molecular consequence: missense variant.
Genome position (GRCh38, 1-based): chr2:21,011,803, G>A on the plus strand (C>T on the coding strand, the complement: APOB is on the minus strand). VCF-style: chr2-21011803-G-A. GRCh37 (hg19) VCF-style: chr2-21234675-G-A.
Other names: short protein forms R1689C.
Identifiers: ClinVar variation 451247 (VCV000451247.18), dbSNP rs780820172, ClinGen allele CA061611.

ClinVar aggregate classification (germline): Conflicting classifications of pathogenicity. Review status: criteria provided, conflicting classifications (1 of 4 stars). 3 submissions from 3 submitters: Uncertain significance (2); Benign (1). Last evaluated 2025-08-24.

Conditions:
Cardiovascular phenotype. Identifiers: MedGen CN230736.
Hypercholesterolemia, autosomal dominant, type B (FHCL2). Also called: HYPERCHOLESTEROLEMIA, FAMILIAL, DUE TO LIGAND-DEFECTIVE APOLIPOPROTEIN B; Familial Hypercholesterolemia Type B; APOLIPOPROTEIN B-100, FAMILIAL DEFECTIVE; APOLIPOPROTEIN B-100, FAMILIAL LIGAND-DEFECTIVE; Familial hypercholesterolemia 2; APOB-Related Familial Hypercholesterolemia, Autosomal Dominant. Identifiers: MedGen C1704417, MONDO:0007751, OMIM 144010.
Familial hypobetalipoproteinemia 1. Also called: APOB-Related Familial Hypobetalipoproteinemia; Hypobetalipoproteinemia, normotriglyceridemic; Acanthocytosis with hypobetalipoproteinemia. Identifiers: MedGen C4551990, MONDO:0014252, OMIM 615558.

Allele frequency attached by ClinVar (database versions not stated): ExAC 0.00002; gnomAD 0.00002 and 0.00003; gnomAD exomes 0.00002; TOPMed 0.00003.
gnomAD v4.1: 35 of 1,613,956 alleles (0.0022%); highest among the groups gnomAD compares: East Asian, 0.025%; no homozygotes.

Submissions (3):

Labcorp Genetics (formerly Invitae), Labcorp
Classification: Benign for Familial hypobetalipoproteinemia 1; Hypercholesterolemia, autosomal dominant, type B. Last evaluated: 2025-08-24. Review status: criteria provided, single submitter. Criteria: Invitae Variant Classification Sherloc (09022015). Collection method: clinical testing. Allele origin: germline.

Ambry Genetics
Classification: Uncertain significance for Cardiovascular phenotype. Last evaluated: 2021-08-23. Review status: criteria provided, single submitter. Criteria: Ambry Variant Classification Scheme 2023. Collection method: clinical testing. Allele origin: germline.

GeneDx
Classification: Uncertain significance. Last evaluated: 2017-08-15. Review status: criteria provided, single submitter. Criteria: GeneDx Variant Classification (06012015). Collection method: clinical testing. Allele origin: germline. Affected: yes.
Comment: The R1689C variant in the APOB gene has not been reported previously as a pathogenic variant, nor as a benign variant, to our knowledge. This variant is not observed at a significant frequency in large population cohorts (Lek et al., 2016; 1000 Genomes Consortium et al., 2015; Exome Variant Server). The R1689C variant is a non-conservative amino acid substitution, which is likely to impact secondary protein structure as these residues differ in polarity, charge, size and/or other properties. This substitution occurs at a position that is conserved in mammals. In silico analysis predicts this variant is probably damaging to the protein structure/function. Based on currently available evidence, we interpret R1689C as a variant of uncertain significance.